The following is an entry in ClinVar:

ClinVar aggregate classification (germline): Uncertain significance (1 of 4 stars; one submission).

Allele frequency attached by ClinVar (database versions not stated): TOPMed below 0.00001; gnomAD 0.00001.
gnomAD v4.1: 2 of 1,613,916 alleles (0.00012%); highest among the groups gnomAD compares: Non-Finnish European, 0.00017%; no homozygotes.

Submission:

Labcorp Genetics (formerly Invitae), Labcorp
Classification: Uncertain significance. Last evaluated: 2023-05-17. Review status: criteria provided, single submitter. Criteria: Invitae Variant Classification Sherloc (09022015). Collection method: clinical testing. Allele origin: germline.
Comment: This sequence change replaces alanine, which is neutral and non-polar, with glycine, which is neutral and non-polar, at codon 896 of the KMT2E protein (p.Ala896Gly). This variant has not been reported in the literature in individuals affected with KMT2E-related conditions. This variant is not present in population databases (gnomAD no frequency). Advanced modeling of protein sequence and biophysical properties (such as structural, functional, and spatial information, amino acid conservation, physicochemical variation, residue mobility, and thermodynamic stability) performed at Invitae indicates that this missense variant is not expected to disrupt KMT2E protein function. In summary, the available evidence is currently insufficient to determine the role of this variant in disease. Therefore, it has been classified as a Variant of Uncertain Significance.

NM_182931.3(KMT2E):c.2687C>G (p.Ala896Gly)

Gene: KMT2E (lysine methyltransferase 2E (inactive); plus strand). Cytogenetic location: 7q22.3.
Variant type: single nucleotide variant.
Coding change: c.2687C>G on transcript NM_182931.3 (MANE Select); coding-DNA position 2687, C replaced by G.
Protein change: p.Ala896Gly; replaces alanine 896 with glycine.
Molecular consequence: missense variant.
Genome position (GRCh38, 1-based): chr7:105,106,612, C>G. VCF-style: chr7-105106612-C-G. GRCh37 (hg19) VCF-style: chr7-104747059-C-G.
Other names: c.2687C>G, p.Ala896Gly (NM_001410908.1, NM_018682.4); short protein forms A896G.
Identifiers: ClinVar variation 2865292 (VCV002865292.3), dbSNP rs1315639539, ClinGen allele CA368787394.